The following is an entry in ClinVar:

NM_182961.4(SYNE1):c.10190_10191delinsCA (p.Gly3397Ala)

Gene: SYNE1 (spectrin repeat containing nuclear envelope protein 1; minus strand). Cytogenetic location: 6q25.2.
Variant type: Indel.
Coding change: c.10190_10191delinsCA on transcript NM_182961.4 (MANE Select); coding-DNA positions 10190 to 10191, GC replaced by CA.
Protein change: p.Gly3397Ala; replaces glycine 3397 with alanine.
Molecular consequence: missense variant.
Genome position (GRCh38, 1-based): chr6:152,362,278-152,362,279, GC replaced by TG on the plus strand (GC replaced by CA on the coding strand, the reverse complement: SYNE1 is on the minus strand). VCF-style: chr6-152362278-GC-TG. GRCh37 (hg19) VCF-style: chr6-152683413-GC-TG.
Other names: c.10211_10212delinsCA, p.Gly3404Ala (NM_033071.5); short protein forms G3404A, G3397A.
Identifiers: ClinVar variation 1368961 (VCV001368961.5), dbSNP rs2154069302, ClinGen allele CA2573140677.

ClinVar aggregate classification (germline): Uncertain significance (1 of 4 stars; one submission).

Conditions:
Emery-Dreifuss muscular dystrophy 4, autosomal dominant (EDMD4). Also called: EMERY-DREIFUSS MUSCULAR DYSTROPHY 4 WITH VARIABLE FEATURES. Identifiers: Orphanet 261, MedGen C2751807, MONDO:0013071, OMIM 612998.
Autosomal recessive ataxia, Beauce type. Also called: SYNE1-Related Autosomal Recessive Cerebellar Ataxia; Spinocerebellar ataxia, autosomal recessive 8; ATAXIA, RECESSIVE, OF BEAUCE; SYNE1 Deficiency. Identifiers: Orphanet 88644, MedGen C1853116, MONDO:0012549, OMIM 610743.

Submission:

Labcorp Genetics (formerly Invitae), Labcorp
Classification: Uncertain significance for Emery-Dreifuss muscular dystrophy 4, autosomal dominant; Autosomal recessive ataxia, Beauce type. Last evaluated: 2024-07-01. Review status: criteria provided, single submitter. Criteria: Invitae Variant Classification Sherloc (09022015). Collection method: clinical testing. Allele origin: germline.
Comment: This sequence change replaces glycine, which is neutral and non-polar, with alanine, which is neutral and non-polar, at codon 3404 of the SYNE1 protein (p.Gly3404Ala). The frequency data for this variant in the population databases is considered unreliable, as metrics indicate poor data quality at this position in the gnomAD database. This variant has not been reported in the literature in individuals affected with SYNE1-related conditions. ClinVar contains an entry for this variant (Variation ID: 1368961). An algorithm developed to predict the effect of missense changes on protein structure and function (PolyPhen-2) suggests that this variant¬¨‚Ä†is likely to be tolerated. In summary, the available evidence is currently insufficient to determine the role of this variant in disease. Therefore, it has been classified as a Variant of Uncertain Significance.